The following is an entry in ClinVar:

NM_182961.4(SYNE1):c.19572+22T>C

Gene: SYNE1 (spectrin repeat containing nuclear envelope protein 1; minus strand). Cytogenetic location: 6q25.2.
Variant type: single nucleotide variant.
Coding change: c.19572+22T>C on transcript NM_182961.4 (MANE Select); 22 bases into the intron after coding-DNA position 19572, T replaced by C.
Molecular consequence: intron variant.
Genome position (GRCh38, 1-based): chr6:152,249,139, A>G on the plus strand (T>C on the coding strand, the complement: SYNE1 is on the minus strand). VCF-style: chr6-152249139-A-G. GRCh37 (hg19) VCF-style: chr6-152570274-A-G.
Other names: c.19359+22T>C (NM_033071.5).
Identifiers: ClinVar variation 672539 (VCV000672539.1), dbSNP rs17215781, ClinGen allele CA4054646.

ClinVar aggregate classification (germline): Benign (1 of 4 stars; one submission).

Allele frequency attached by ClinVar (database versions not stated): ESP Exome Variant Server 0.05674; 1000 Genomes Project 30x 0.06027; 1000 Genomes Project 0.06070; gnomAD 0.06297 and 0.06308; TOPMed 0.06749; gnomAD exomes 0.07589 and 0.08449; ExAC 0.07901.
gnomAD v4.1: 110,450 of 1,485,488 alleles (7.4%); highest among the groups gnomAD compares: Admixed American, 19%; 4,983 homozygotes.

Submission:

GeneDx
Classification: Benign. Last evaluated: 2018-06-16. Review status: criteria provided, single submitter. Criteria: GeneDx Variant Classification (06012015). Collection method: clinical testing. Allele origin: germline. Affected: yes.
Comment: This variant is considered likely benign or benign based on one or more of the following criteria: it is a conservative change, it occurs at a poorly conserved position in the protein, it is predicted to be benign by multiple in silico algorithms, and/or has population frequency not consistent with disease.